The following is an entry in ClinVar:

NM_022552.5(DNMT3A):c.1289A>G (p.Asn430Ser)

Gene: DNMT3A (DNA methyltransferase 3 alpha; minus strand). Cytogenetic location: 2p23.3.
Variant type: single nucleotide variant.
Coding change: c.1289A>G on transcript NM_022552.5 (MANE Select); coding-DNA position 1289, A replaced by G.
Protein change: p.Asn430Ser; replaces asparagine 430 with serine.
Molecular consequence: missense variant. On other transcripts: non-coding transcript variant (1).
Genome position (GRCh38, 1-based): chr2:25,246,300, T>C on the plus strand (A>G on the coding strand, the complement: DNMT3A is on the minus strand). VCF-style: chr2-25246300-T-C. GRCh37 (hg19) VCF-style: chr2-25469169-T-C.
Other names: c.833A>G, p.Asn278Ser (NM_001320893.1); c.620A>G, p.Asn207Ser (NM_001375819.1); c.722A>G, p.Asn241Ser (NM_153759.3); c.1289A>G, p.Asn430Ser (NM_175629.2); short protein forms N241S, N207S, N278S, N430S.
Identifiers: ClinVar variation 2748509 (VCV002748509.3), dbSNP rs2465525103, ClinGen allele CA346072924.

ClinVar aggregate classification (germline): Uncertain significance (1 of 4 stars; one submission).

Conditions:
Tatton-Brown-Rahman overgrowth syndrome. Also called: Tall stature-intellectual disability-facial dysmorphism syndrome; Tatton-Brown-Rahman syndrome. Identifiers: Orphanet 404443, MedGen C4014545, MONDO:0014382, OMIM 615879.

Submission:

Labcorp Genetics (formerly Invitae), Labcorp
Classification: Uncertain significance for Tatton-Brown-Rahman overgrowth syndrome. Last evaluated: 2023-07-30. Review status: criteria provided, single submitter. Criteria: Invitae Variant Classification Sherloc (09022015). Collection method: clinical testing. Allele origin: germline.
Comment: This sequence change replaces asparagine, which is neutral and polar, with serine, which is neutral and polar, at codon 430 of the DNMT3A protein (p.Asn430Ser). In summary, the available evidence is currently insufficient to determine the role of this variant in disease. Therefore, it has been classified as a Variant of Uncertain Significance. Advanced modeling of protein sequence and biophysical properties (such as structural, functional, and spatial information, amino acid conservation, physicochemical variation, residue mobility, and thermodynamic stability) performed at Invitae indicates that this missense variant is not expected to disrupt DNMT3A protein function. This variant has not been reported in the literature in individuals affected with DNMT3A-related conditions. This variant is not present in population databases (gnomAD no frequency).